The following is an entry in ClinVar:

NM_007194.4(CHEK2):c.863T>A (p.Ile288Asn)

Gene: CHEK2 (checkpoint kinase 2; minus strand). Cytogenetic location: 22q12.1.
Variant type: single nucleotide variant.
Coding change: c.863T>A on transcript NM_007194.4 (MANE Select); coding-DNA position 863, T replaced by A.
Protein change: p.Ile288Asn; replaces isoleucine 288 with asparagine.
Molecular consequence: missense variant.
Genome position (GRCh38, 1-based): chr22:28,703,550, A>T on the plus strand (T>A on the coding strand, the complement: CHEK2 is on the minus strand). VCF-style: chr22-28703550-A-T. GRCh37 (hg19) VCF-style: chr22-29099538-A-T.
Other names: c.992T>A, p.Ile331Asn (NM_001005735.3); c.200T>A, p.Ile67Asn (NM_001257387.3); c.662T>A, p.Ile221Asn (NM_001349956.3); c.863T>A, p.Ile288Asn (NM_145862.3); c.863T>A (NM_007194.3); short protein forms I331N, I288N, I221N, I67N.
Identifiers: ClinVar variation 3724705 (VCV003724705.3).

ClinVar aggregate classification (germline): Uncertain significance. Review status: criteria provided, multiple submitters, no conflicts (2 of 4 stars). 2 submissions from 2 submitters: Uncertain significance (2). Last evaluated 2025-06-25.

Conditions:
Hereditary cancer-predisposing syndrome. Also called: Hereditary Cancer Syndrome; Hereditary neoplastic syndrome; Neoplastic Syndromes, Hereditary; Tumor predisposition. Identifiers: Orphanet 140162, MedGen C0027672, MeSH D009386, MONDO:0015356.
Familial cancer of breast. Also called: Hereditary breast cancer; BREAST CANCER, FAMILIAL; hereditary breast carcinoma. Identifiers: Orphanet 227535, MedGen C0346153, MONDO:0016419, OMIM 114480. Disease mechanism: loss of function.

Submissions (2):

Ambry Genetics
Classification: Uncertain significance for Hereditary cancer-predisposing syndrome. Last evaluated: 2025-06-25. Review status: criteria provided, single submitter. Criteria: Ambry Variant Classification Scheme 2023. Collection method: clinical testing. Allele origin: germline.
Comment: The p.I288N variant (also known as c.863T>A), located in coding exon 7 of the CHEK2 gene, results from a T to A substitution at nucleotide position 863. The isoleucine at codon 288 is replaced by asparagine, an amino acid with dissimilar properties. This variant was reported as functional in a study assessing CHEK2-complementation through quantification of KAP1 phosphorylation and CHK2 autophosphorylation in human RPE1-CHEK2-knockout cells (Stolarova L et al. Clin Cancer Res, 2023 Aug;29:3037-3050). This amino acid position is highly conserved in available vertebrate species. In addition, the in silico prediction for this alteration is inconclusive. Based on the available evidence, the clinical significance of this variant remains unclear.

Labcorp Genetics (formerly Invitae), Labcorp
Classification: Uncertain significance for Familial cancer of breast. Last evaluated: 2024-11-05. Review status: criteria provided, single submitter. Criteria: Invitae Variant Classification Sherloc (09022015). Collection method: clinical testing. Allele origin: germline.
Comment: This sequence change replaces isoleucine, which is neutral and non-polar, with asparagine, which is neutral and polar, at codon 288 of the CHEK2 protein (p.Ile288Asn). This variant is not present in population databases (gnomAD no frequency). This variant has not been reported in the literature in individuals affected with CHEK2-related conditions. An algorithm developed to predict the effect of missense changes on protein structure and function (PolyPhen-2) suggests that this variant is likely to be disruptive. In summary, the available evidence is currently insufficient to determine the role of this variant in disease. Therefore, it has been classified as a Variant of Uncertain Significance.

Literature cited by the submitters: PubMed 37449874 (cited by Ambry Genetics).